The following is an entry in ClinVar:

NM_016343.4(CENPF):c.5376C>A (p.Asp1792Glu)

Gene: CENPF (centromere protein F; plus strand). Cytogenetic location: 1q41.
Variant type: single nucleotide variant.
Coding change: c.5376C>A on transcript NM_016343.4 (MANE Select); coding-DNA position 5376, C replaced by A.
Protein change: p.Asp1792Glu; replaces aspartic acid 1792 with glutamic acid.
Molecular consequence: missense variant.
Genome position (GRCh38, 1-based): chr1:214,644,946, C>A. VCF-style: chr1-214644946-C-A. GRCh37 (hg19) VCF-style: chr1-214818289-C-A.
Other names: short protein forms D1792E.
Identifiers: ClinVar variation 4084645 (VCV004084645.8).

ClinVar aggregate classification (germline): Uncertain significance (1 of 4 stars; one submission).

Submission:

CeGaT Center for Human Genetics Tuebingen
Classification: Uncertain significance. Last evaluated: 2025-08-01. Review status: criteria provided, single submitter. Criteria: CeGaT Center For Human Genetics Tuebingen Variant Classification Criteria Version 2. Collection method: clinical testing. Allele origin: germline. Affected: yes. Observed: 1 variant allele.
Comment: CENPF: PM2, BP1, BP4